The following is an entry in ClinVar:

NM_000179.3(MSH6):c.3635T>G (p.Val1212Gly)

Gene: MSH6 (mutS homolog 6; plus strand). Cytogenetic location: 2p16.3.
Variant type: single nucleotide variant.
Coding change: c.3635T>G on transcript NM_000179.3 (MANE Select); coding-DNA position 3635, T replaced by G.
Protein change: p.Val1212Gly; replaces valine 1212 with glycine.
Molecular consequence: missense variant. On other transcripts: non-coding transcript variant (5).
Genome position (GRCh38, 1-based): chr2:47,805,696, T>G. VCF-style: chr2-47805696-T-G. GRCh37 (hg19) VCF-style: chr2-48032835-T-G.
Other names: c.3245T>G, p.Val1082Gly (NM_001281492.2); c.2729T>G, p.Val910Gly (NM_001281493.2, NM_001281494.2, NM_001406811.1 and 6 more transcripts); c.3731T>G, p.Val1244Gly (NM_001406795.1, NM_001406802.1); c.3635T>G, p.Val1212Gly (NM_001406796.1, NM_001406800.1, NM_001406808.1 and 1 more transcripts); c.3338T>G, p.Val1113Gly (NM_001406797.1, NM_001406801.1, NM_001406805.1 and 10 more transcripts); c.3461T>G, p.Val1154Gly (NM_001406798.1); c.3110T>G, p.Val1037Gly (NM_001406799.1, NM_001406806.1, NM_001406807.1); c.2771T>G, p.Val924Gly (NM_001406803.1); and 7 more; short protein forms V1244G, V527G, V910G, V1037G, V1186G, V1082G, V1154G, V139G.
Identifiers: ClinVar variation 3296423 (VCV003296423.1).

ClinVar aggregate classification (germline): Uncertain significance (1 of 4 stars; one submission).

Conditions:
Hereditary cancer-predisposing syndrome. Also called: Tumor predisposition; Hereditary Cancer Syndrome; Hereditary neoplastic syndrome; Neoplastic Syndromes, Hereditary. Identifiers: Orphanet 140162, MedGen C0027672, MeSH D009386, MONDO:0015356.

Submission:

Ambry Genetics
Classification: Uncertain significance for Hereditary cancer-predisposing syndrome. Last evaluated: 2024-06-09. Review status: criteria provided, single submitter. Criteria: Ambry Variant Classification Scheme 2023. Collection method: clinical testing. Allele origin: germline.
Comment: The p.V1212G variant (also known as c.3635T>G), located in coding exon 7 of the MSH6 gene, results from a T to G substitution at nucleotide position 3635. The valine at codon 1212 is replaced by glycine, an amino acid with dissimilar properties. This amino acid position is conserved. In addition, this alteration is predicted to be deleterious by in silico analysis. Based on the available evidence, the clinical significance of this variant remains unclear.